The following is an entry in ClinVar:

NM_001267550.2(TTN):c.11598C>A (p.Tyr3866Ter)

Gene: TTN (titin; minus strand). Cytogenetic location: 2q31.2.
Variant type: single nucleotide variant.
Coding change: c.11598C>A on transcript NM_001267550.2 (MANE Select); coding-DNA position 11598, C replaced by A.
Protein change: p.Tyr3866Ter; replaces tyrosine 3866 with a stop codon.
Molecular consequence: nonsense. On other transcripts: intron variant (1).
Genome position (GRCh38, 1-based): chr2:178,741,635, G>T on the plus strand (C>A on the coding strand, the complement: TTN is on the minus strand). VCF-style: chr2-178741635-G-T. GRCh37 (hg19) VCF-style: chr2-179606362-G-T.
Other names: c.10647C>A, p.Tyr3549Ter (NM_001256850.1); c.10509C>A, p.Tyr3503Ter (NM_003319.4); c.10884C>A, p.Tyr3628Ter (NM_133432.3); c.11085C>A, p.Tyr3695Ter (NM_133437.4); c.10361-3275C>A (NM_133378.4); short protein forms Y3503*, Y3549*, Y3628*, Y3695*, Y3866*.
Identifiers: ClinVar variation 5037893 (VCV005037893.1).

ClinVar aggregate classification (germline): Pathogenic (1 of 4 stars; one submission).

Conditions:
Cardiovascular phenotype. Identifiers: MedGen CN230736.

Submission:

Molecular Diagnostic Laboratory for Inherited Cardiovascular Disease, Montreal Heart Institute
Classification: Pathogenic for Cardiovascular phenotype. Last evaluated: 2026-06-02. Review status: criteria provided, single submitter. Criteria: ACMG Guidelines, 2015. Collection method: clinical testing. Allele origin: germline. Affected: yes.
Comment: PVS1, PS4_supp, PM2